The following is an entry in ClinVar:

ClinVar aggregate classification (germline): Likely benign (1 of 4 stars; one submission).

Submission:

CeGaT Center for Human Genetics Tuebingen
Classification: Likely benign. Last evaluated: 2025-08-01. Review status: criteria provided, single submitter. Criteria: CeGaT Center For Human Genetics Tuebingen Variant Classification Criteria Version 2. Collection method: clinical testing. Allele origin: germline. Affected: yes. Observed: 1 variant allele.
Comment: APC: PM2:Supporting, BP4, BP7

NM_000038.6(APC):c.6510A>T (p.Pro2170=)

Gene: APC (APC regulator of Wnt signaling pathway; plus strand). Cytogenetic location: 5q22.2.
Variant type: single nucleotide variant.
Coding change: c.6510A>T on transcript NM_000038.6 (MANE Select); coding-DNA position 6510, A replaced by T.
Protein change: p.Pro2170=; no amino-acid change (proline 2170 retained).
Molecular consequence: synonymous variant. On other transcripts: non-coding transcript variant (2).
Genome position (GRCh38, 1-based): chr5:112,842,104, A>T. VCF-style: chr5-112842104-A-T. GRCh37 (hg19) VCF-style: chr5-112177801-A-T.
Other names: c.6510A>T, p.Pro2170= (NM_001127510.3, NM_001354895.2, NM_001407450.1); c.6456A>T, p.Pro2152= (NM_001127511.3); c.6564A>T, p.Pro2188= (NM_001354896.2, NM_001407447.1, NM_001407448.1 and 1 more transcripts); c.6540A>T, p.Pro2180= (NM_001354897.2); c.6435A>T, p.Pro2145= (NM_001354898.2); c.6426A>T, p.Pro2142= (NM_001354899.2); c.6387A>T, p.Pro2129= (NM_001354900.2); c.6333A>T, p.Pro2111= (NM_001354901.2, NM_001407453.1); and 11 more.
Identifiers: ClinVar variation 4084249 (VCV004084249.8).